The following is an entry in ClinVar:

NM_206933.4(USH2A):c.5095C>T (p.Gln1699Ter)

Genes: USH2A (usherin; minus strand), USH2A-AS2 (USH2A antisense RNA 2; plus strand). Cytogenetic location: 1q41.
Variant type: single nucleotide variant.
Coding change: c.5095C>T on transcript NM_206933.4 (MANE Select); coding-DNA position 5095, C replaced by T.
Protein change: p.Gln1699Ter; replaces glutamine 1699 with a stop codon.
Molecular consequence: nonsense.
Genome position (GRCh38, 1-based): chr1:216,084,770, G>A on the plus strand (C>T on the coding strand, the complement: USH2A is on the minus strand). VCF-style: chr1-216084770-G-A. GRCh37 (hg19) VCF-style: chr1-216258112-G-A.
Other names: short protein forms Q1699*.
Identifiers: ClinVar variation 2776480 (VCV002776480.3), dbSNP rs1351926905, ClinGen allele CA344858981.
Genomic context (GRCh38, chr1:216,084,770, plus strand): 5'-ACTGAGCTCCCTCATTTAATGAAGCGGGACATCCCTCCCAGCTGTTATACACGTTGATTT[G>A]TTCTTCAGAACTCTGCCAATCCAGAGGTTCCCAAATAGCTGACGGATTGTAATTCTTCAT-3'

ClinVar aggregate classification (germline): Pathogenic (1 of 4 stars; one submission).

Submission:

Labcorp Genetics (formerly Invitae), Labcorp
Classification: Pathogenic. Last evaluated: 2023-08-07. Review status: criteria provided, single submitter. Criteria: Invitae Variant Classification Sherloc (09022015). Collection method: clinical testing. Allele origin: germline.
Comment: For these reasons, this variant has been classified as Pathogenic. This variant is not present in population databases (gnomAD no frequency). This variant has not been reported in the literature in individuals affected with USH2A-related conditions. This sequence change creates a premature translational stop signal (p.Gln1699*) in the USH2A gene. It is expected to result in an absent or disrupted protein product. Loss-of-function variants in USH2A are known to be pathogenic (PMID: 10729113, 10909849, 20507924, 25649381).

Literature cited by the submitters: PubMed 10729113; PubMed 10909849; PubMed 20507924; PubMed 25649381.